The following is an entry in ClinVar:

NM_001376.5(DYNC1H1):c.1276G>A (p.Glu426Lys)

Gene: DYNC1H1 (dynein cytoplasmic 1 heavy chain 1; plus strand). Cytogenetic location: 14q32.31.
Variant type: single nucleotide variant.
Coding change: c.1276G>A on transcript NM_001376.5 (MANE Select); coding-DNA position 1276, G replaced by A.
Protein change: p.Glu426Lys; replaces glutamic acid 426 with lysine.
Molecular consequence: missense variant.
Genome position (GRCh38, 1-based): chr14:101,983,424, G>A. VCF-style: chr14-101983424-G-A. GRCh37 (hg19) VCF-style: chr14-102449761-G-A.
Other names: short protein forms E426K.
Identifiers: ClinVar variation 246540 (VCV000246540.3), dbSNP rs879254303, ClinGen allele CA10584455.

ClinVar aggregate classification (germline): Uncertain significance (1 of 4 stars; one submission).

Submission:

GeneDx
Classification: Uncertain significance. Last evaluated: 2019-03-20. Review status: criteria provided, single submitter. Criteria: GeneDx Variant Classification Process June 2021. Collection method: clinical testing. Allele origin: germline. Affected: yes.
Comment: Not observed in large population cohorts (Lek et al., 2016); In silico analysis, which includes protein predictors and evolutionary conservation, supports a deleterious effect; Has not been previously published as pathogenic or benign to our knowledge